The following is an entry in ClinVar:

NM_000393.5(COL5A2):c.1332_1349del (p.Ala446_Ser451del)

Gene: COL5A2 (collagen type V alpha 2 chain; minus strand). Cytogenetic location: 2q32.2.
Variant type: Deletion.
Coding change: c.1332_1349del on transcript NM_000393.5 (MANE Select); coding-DNA positions 1332 to 1349, 18 bases deleted (CTCAGCAGGGCCTCCTGG).
Protein change: p.Ala446_Ser451del.
Molecular consequence: inframe deletion.
Genome position (GRCh38, 1-based): chr2:189,068,067-189,068,084, CCAGGAGGCCCTGCTGAG deleted on the plus strand (CTCAGCAGGGCCTCCTGG on the coding strand, the reverse complement: COL5A2 is on the minus strand); deleting any 18 consecutive bases within chr2:189,068,067-189,068,092 gives the same sequence; the c. name uses the placement nearest the transcript's 3' end. VCF-style (leftmost placement, unchanged base first): chr2-189068066-TCCAGGAGGCCCTGCTGAG-T. GRCh37 (hg19) VCF-style: chr2-189932792-TCCAGGAGGCCCTGCTGAG-T.
Identifiers: ClinVar variation 955351 (VCV000955351.3), dbSNP rs1686191596, ClinGen allele CA1139657550.
Genomic context (GRCh38, chr2:189,068,066, plus strand): 5'-GGTCATTACCGGTTGGCCTCGAATTCCCTGAGGACCAGTGCTACCCTGAGGTCCTGGAGA[TCCAGGAGGCCCTGCTGAG>T]CCAGGAGGACCAGAGGTACCTGGAGAGCCCTATTAAACAGCAAGAGTGATGTGGTAAGTA-3'

ClinVar aggregate classification (germline): Uncertain significance (1 of 4 stars; one submission).

Conditions:
Ehlers-Danlos syndrome, classic type (cEDS). Identifiers: Orphanet 287, MedGen C4225429, MONDO:0007522.

Submission:

Labcorp Genetics (formerly Invitae), Labcorp
Classification: Uncertain significance for Ehlers-Danlos syndrome, type 1. Last evaluated: 2019-09-18. Review status: criteria provided, single submitter. Criteria: Invitae Variant Classification Sherloc (09022015). Collection method: clinical testing. Allele origin: germline.
Comment: This variant, c.1332_1349del, results in the deletion of 6 amino acid(s) of the COL5A2 protein (p.Ala446_Ser451del), but otherwise preserves the integrity of the reading frame. This variant is not present in population databases (ExAC no frequency). This variant has not been reported in the literature in individuals with COL5A2-related conditions. Experimental studies and prediction algorithms are not available or were not evaluated for this variant, and the functional significance of this variant is currently unknown. In summary, the available evidence is currently insufficient to determine the role of this variant in disease. Therefore, it has been classified as a Variant of Uncertain Significance.